The following is an entry in ClinVar:

NM_000275.3(OCA2):c.1114G>A (p.Asp372Asn)

Gene: OCA2 (OCA2 melanosomal transmembrane protein; minus strand). Cytogenetic location: 15q13.1.
Variant type: single nucleotide variant.
Coding change: c.1114G>A on transcript NM_000275.3 (MANE Select); coding-DNA position 1114, G replaced by A.
Protein change: p.Asp372Asn; replaces aspartic acid 372 with asparagine.
Molecular consequence: missense variant. On other transcripts: intron variant (1).
Genome position (GRCh38, 1-based): chr15:27,990,578, C>T on the plus strand (G>A on the coding strand, the complement: OCA2 is on the minus strand). VCF-style: chr15-27990578-C-T. GRCh37 (hg19) VCF-style: chr15-28235724-C-T.
Other names: c.1045-912G>A (NM_001300984.2); short protein forms D372N.
Identifiers: ClinVar variation 2168452 (VCV002168452.2), dbSNP rs370353320, ClinGen allele CA7439219.

ClinVar aggregate classification (germline): Uncertain significance. Review status: criteria provided, multiple submitters, no conflicts (2 of 4 stars). 2 submissions from 2 submitters: Uncertain significance (2). Last evaluated 2022-09-27.

Allele frequency attached by ClinVar (database versions not stated): ExAC 0.00002; gnomAD exomes 0.00002; gnomAD 0.00003; TOPMed 0.00003; ESP Exome Variant Server 0.00008.
gnomAD v4.1: 31 of 1,613,728 alleles (0.0019%); highest among the groups gnomAD compares: South Asian, 0.015%; 1 homozygote.

Submissions (2):

Labcorp Genetics (formerly Invitae), Labcorp
Classification: Uncertain significance. Last evaluated: 2022-09-27. Review status: criteria provided, single submitter. Criteria: Invitae Variant Classification Sherloc (09022015). Collection method: clinical testing. Allele origin: germline.
Comment: This sequence change replaces aspartic acid, which is acidic and polar, with asparagine, which is neutral and polar, at codon 372 of the OCA2 protein (p.Asp372Asn). This variant is present in population databases (rs370353320, gnomAD 0.01%). This variant has not been reported in the literature in individuals affected with OCA2-related conditions. Algorithms developed to predict the effect of missense changes on protein structure and function (SIFT, PolyPhen-2, Align-GVGD) all suggest that this variant is likely to be tolerated. In summary, the available evidence is currently insufficient to determine the role of this variant in disease. Therefore, it has been classified as a Variant of Uncertain Significance.

Blueprint Genetics
Classification: Uncertain significance. Last evaluated: 2021-12-20. Review status: criteria provided, single submitter. Criteria: ACMG Guidelines, 2015. Collection method: clinical testing. Allele origin: germline.